The following is an entry in ClinVar:

ClinVar aggregate classification (germline): Uncertain significance. Review status: criteria provided, multiple submitters, no conflicts (2 of 4 stars). 3 submissions from 3 submitters: Uncertain significance (3). Last evaluated 2024-08-22.

Conditions:
Cardiovascular phenotype. Identifiers: MedGen CN230736.

Allele frequency attached by ClinVar (database versions not stated): gnomAD exomes 0.00001; gnomAD 0.00002; TOPMed 0.00002.
gnomAD v4.1: 5 of 1,220,206 alleles (0.00041%); highest among the groups gnomAD compares: Non-Finnish European, 0.00051%; no homozygotes.

Submissions (3):

Labcorp Genetics (formerly Invitae), Labcorp
Classification: Uncertain significance. Last evaluated: 2024-08-22. Review status: criteria provided, single submitter. Criteria: Invitae Variant Classification Sherloc (09022015). Collection method: clinical testing. Allele origin: germline.
Comment: This sequence change replaces arginine, which is basic and polar, with lysine, which is basic and polar, at codon 177 of the ALPK3 protein (p.Arg177Lys). This variant is present in population databases (no rsID available, gnomAD 0.007%). This variant has not been reported in the literature in individuals affected with ALPK3-related conditions. ClinVar contains an entry for this variant (Variation ID: 426157). An algorithm developed to predict the effect of missense changes on protein structure and function (PolyPhen-2) suggests that this variant is likely to be tolerated. In summary, the available evidence is currently insufficient to determine the role of this variant in disease. Therefore, it has been classified as a Variant of Uncertain Significance.

GeneDx
Classification: Uncertain significance. Last evaluated: 2024-05-09. Review status: criteria provided, single submitter. Criteria: GeneDx Variant Classification Process June 2021. Collection method: clinical testing. Allele origin: germline. Affected: yes.
Comment: Has not been previously published as pathogenic or benign to our knowledge; Not observed at significant frequency in large population cohorts (gnomAD); Nucleotide is not conserved across species and the substitution has no predicted effect on splicing

Ambry Genetics
Classification: Uncertain significance for Cardiovascular phenotype. Last evaluated: 2022-01-19. Review status: criteria provided, single submitter. Criteria: Ambry Variant Classification Scheme 2023. Collection method: clinical testing. Allele origin: germline.
Comment: The p.R177K variant (also known as c.530G>A), located in coding exon 1 of the ALPK3 gene, results from a G to A substitution at nucleotide position 530. The arginine at codon 177 is replaced by lysine, an amino acid with highly similar properties. This amino acid position is conserved. In addition, this alteration is predicted to be tolerated by in silico analysis. Since supporting evidence is limited at this time, the clinical significance of this alteration remains unclear.

NM_020778.5(ALPK3):c.-77G>A

Gene: ALPK3 (alpha kinase 3; plus strand). Cytogenetic location: 15q25.3.
Variant type: single nucleotide variant.
Coding change: c.-77G>A on transcript NM_020778.5 (MANE Select); 77 bases upstream of the start codon, G replaced by A.
Molecular consequence: 5 prime UTR variant.
Genome position (GRCh38, 1-based): chr15:84,817,376, G>A. VCF-style: chr15-84817376-G-A. GRCh37 (hg19) VCF-style: chr15-85360607-G-A.
Other names: short protein forms R177K.
Identifiers: ClinVar variation 426157 (VCV000426157.7), dbSNP rs961911481, ClinGen allele CA273651057.